The following is an entry in ClinVar:

ClinVar aggregate classification (germline): Pathogenic (1 of 4 stars; one submission).

Conditions:
Hereditary nonpolyposis colorectal neoplasms. Identifiers: MedGen C0009405, MeSH D003123.

Submission:

Labcorp Genetics (formerly Invitae), Labcorp
Classification: Pathogenic for Hereditary nonpolyposis colorectal neoplasms. Last evaluated: 2023-12-06. Review status: criteria provided, single submitter. Criteria: Invitae Variant Classification Sherloc (09022015). Collection method: clinical testing. Allele origin: germline.
Comment: This variant is a gross deletion of the genomic region encompassing exon(s) 6-8 of the PMS2 gene. This variant would be expected to be in-frame, preserving the integrity of the reading frame. A similar copy number variant has been observed in individuals with a large colonic adenoma, cervical and colon cancers, and/or constitutional mismatch repair deficiency (PMID: 20205264, 24440087, 26681312). For these reasons, this variant has been classified as Pathogenic.

Literature cited by the submitters: PubMed 20205264; PubMed 24440087; PubMed 26681312.

NC_000007.14:g.(?_5995524)_(5999285_?)del

Gene: PMS2 (PMS1 homolog 2, mismatch repair system component; minus strand). Cytogenetic location: 7p22.1.
Variant type: Deletion.
Identifiers: ClinVar variation 583779 (VCV000583779.8).